The following is an entry in ClinVar:

NM_015559.3(SETBP1):c.2852T>G (p.Leu951Arg)

Gene: SETBP1 (SET binding protein 1; plus strand). Cytogenetic location: 18q12.3.
Variant type: single nucleotide variant.
Coding change: c.2852T>G on transcript NM_015559.3 (MANE Select); coding-DNA position 2852, T replaced by G.
Protein change: p.Leu951Arg; replaces leucine 951 with arginine.
Molecular consequence: missense variant.
Genome position (GRCh38, 1-based): chr18:44,952,192, T>G. VCF-style: chr18-44952192-T-G. GRCh37 (hg19) VCF-style: chr18-42532157-T-G.
Other names: c.2852T>G, p.Leu951Arg (NM_001379141.1, NM_001379142.1, NM_001410862.1); short protein forms L951R.
Identifiers: ClinVar variation 2845133 (VCV002845133.3), dbSNP rs2511473580, ClinGen allele CA402322379.

ClinVar aggregate classification (germline): Uncertain significance (1 of 4 stars; one submission).

Submission:

Labcorp Genetics (formerly Invitae), Labcorp
Classification: Uncertain significance. Last evaluated: 2023-04-18. Review status: criteria provided, single submitter. Criteria: Invitae Variant Classification Sherloc (09022015). Collection method: clinical testing. Allele origin: germline.
Comment: This variant has not been reported in the literature in individuals affected with SETBP1-related conditions. This variant is not present in population databases (gnomAD no frequency). This sequence change replaces leucine, which is neutral and non-polar, with arginine, which is basic and polar, at codon 951 of the SETBP1 protein (p.Leu951Arg). Advanced modeling of protein sequence and biophysical properties (such as structural, functional, and spatial information, amino acid conservation, physicochemical variation, residue mobility, and thermodynamic stability) performed at Invitae indicates that this missense variant is expected to disrupt SETBP1 protein function. In summary, the available evidence is currently insufficient to determine the role of this variant in disease. Therefore, it has been classified as a Variant of Uncertain Significance.